The following is an entry in ClinVar:

ClinVar aggregate classification (germline): Likely benign. Review status: criteria provided, multiple submitters, no conflicts (2 of 4 stars). 3 submissions from 3 submitters: Likely benign (3). Last evaluated 2026-09-11.

Conditions:
Brugada syndrome. Also called: Sudden unexplained nocturnal death syndrome; Sudden Unexplained Death Syndrome; Sudden Unexplained Nocturnal Death Syndrome (SUNDS); Sudden unexpected nocturnal death syndrome. Identifiers: Orphanet 130, MedGen C1142166, MONDO:0015263.
SCN10A-related disorder. Also called: SCN10A-related condition.
Cardiovascular phenotype. Identifiers: MedGen CN230736.

Allele frequency attached by ClinVar (database versions not stated): gnomAD 0.00001 and 0.00002; TOPMed 0.00001; gnomAD exomes 0.00004 and 0.00008; ExAC 0.00007.

Submissions (3):

PreventionGenetics, part of Exact Sciences
Classification: Likely benign for SCN10A-related condition. Last evaluated: 2026-09-11. Review status: criteria provided, single submitter. Criteria: ACMG Guidelines, 2015. Collection method: clinical testing. Allele origin: germline.
Comment: This variant is classified as likely benign based on ACMG/AMP sequence variant interpretation guidelines (Richards et al. 2015 PMID: 25741868, with internal and published modifications).

Labcorp Genetics (formerly Invitae), Labcorp
Classification: Likely benign for Brugada syndrome. Last evaluated: 2023-05-22. Review status: criteria provided, single submitter. Criteria: Invitae Variant Classification Sherloc (09022015). Collection method: clinical testing. Allele origin: germline.

Ambry Genetics
Classification: Likely benign for Cardiovascular phenotype. Last evaluated: 2022-08-22. Review status: criteria provided, single submitter. Criteria: Ambry Variant Classification Scheme 2023. Collection method: clinical testing. Allele origin: germline.

NM_006514.4(SCN10A):c.2580T>G (p.Val860=)

Gene: SCN10A (sodium voltage-gated channel alpha subunit 10; minus strand). Cytogenetic location: 3p22.2.
Variant type: single nucleotide variant.
Coding change: c.2580T>G on transcript NM_006514.4 (MANE Select); coding-DNA position 2580, T replaced by G.
Protein change: p.Val860=; no amino-acid change (valine 860 retained).
Molecular consequence: synonymous variant.
Genome position (GRCh38, 1-based): chr3:38,728,602, A>C on the plus strand (T>G on the coding strand, the complement: SCN10A is on the minus strand). VCF-style: chr3-38728602-A-C. GRCh37 (hg19) VCF-style: chr3-38770093-A-C.
Other names: c.2580T>G, p.Val860= (NM_001293306.2); c.2286T>G, p.Val762= (NM_001293307.2); c.2580T>G (NM_006514.3).
Identifiers: ClinVar variation 1638807 (VCV001638807.11), dbSNP rs754939557, ClinGen allele CA2320506.
Genomic context (GRCh38, chr3:38,728,602, plus strand): 5'-CACCAGGTTCCCTAGCACCATCACCGTCAAGAAAAGGATGAGGCATATGGATTTTTGGCC[A>C]ACTTCCATGCAGGCCCACATGTTCTCAATCCACTCTCCACAGAGGATACGGAAGACAATG-3'
Protein context (NP_006505.4, residues 850-870): WIENMWACME[Val860=]GQKSICLILF